The following is an entry in ClinVar:

NM_005419.4(STAT2):c.2352G>C (p.Gln784His)

Gene: STAT2 (signal transducer and activator of transcription 2; minus strand). Cytogenetic location: 12q13.3.
Variant type: single nucleotide variant.
Coding change: c.2352G>C on transcript NM_005419.4 (MANE Select); coding-DNA position 2352, G replaced by C.
Protein change: p.Gln784His; replaces glutamine 784 with histidine.
Molecular consequence: missense variant.
Genome position (GRCh38, 1-based): chr12:56,343,886, C>G on the plus strand (G>C on the coding strand, the complement: STAT2 is on the minus strand). VCF-style: chr12-56343886-C-G. GRCh37 (hg19) VCF-style: chr12-56737670-C-G.
Other names: c.2352G>C (NM_005419.3); c.2319G>C, p.Gln773His (NM_001385110.1); c.2253G>C, p.Gln751His (NM_001385111.1); c.2352G>C, p.Gln784His (NM_001385113.1); c.2331G>C, p.Gln777His (NM_001385114.1); c.2310G>C, p.Gln770His (NM_001385115.1); c.2340G>C, p.Gln780His (NM_198332.2); short protein forms Q751H, Q784H, Q770H, Q773H, Q777H, Q780H.
Identifiers: ClinVar variation 1398354 (VCV001398354.8), dbSNP rs371190101, ClinGen allele CA6630269.

ClinVar aggregate classification (germline): Uncertain significance. Review status: criteria provided, multiple submitters, no conflicts (2 of 4 stars). 3 submissions from 3 submitters: Uncertain significance (3). Last evaluated 2024-09-03.

Conditions:
Primary immunodeficiency with post-measles-mumps-rubella vaccine viral infection. Also called: Immunodeficiency 44. Identifiers: Orphanet 431166, MedGen C4225260, MONDO:0014715, OMIM 616636.
Inborn genetic diseases. Identifiers: MedGen C0950123, MeSH D030342.

Allele frequency attached by ClinVar (database versions not stated): ExAC 0.00001; gnomAD exomes 0.00001 and 0.00002; TOPMed 0.00001; ESP Exome Variant Server 0.00008.

Submissions (3):

Blueprint Genetics
Classification: Uncertain significance. Last evaluated: 2024-09-03. Review status: criteria provided, single submitter. Criteria: ACMG Guidelines, 2015. Collection method: clinical testing. Allele origin: germline.

Labcorp Genetics (formerly Invitae), Labcorp
Classification: Uncertain significance for Primary immunodeficiency with post-measles-mumps-rubella vaccine viral infection. Last evaluated: 2023-10-13. Review status: criteria provided, single submitter. Criteria: Invitae Variant Classification Sherloc (09022015). Collection method: clinical testing. Allele origin: germline.
Comment: This sequence change replaces glutamine, which is neutral and polar, with histidine, which is basic and polar, at codon 784 of the STAT2 protein (p.Gln784His). This variant is present in population databases (rs371190101, gnomAD 0.002%). This variant has not been reported in the literature in individuals affected with STAT2-related conditions. ClinVar contains an entry for this variant (Variation ID: 1398354). An algorithm developed to predict the effect of missense changes on protein structure and function (PolyPhen-2) suggests that this variant is likely to be disruptive. In summary, the available evidence is currently insufficient to determine the role of this variant in disease. Therefore, it has been classified as a Variant of Uncertain Significance.

Ambry Genetics
Classification: Uncertain significance for Inborn genetic diseases. Last evaluated: 2022-12-21. Review status: criteria provided, single submitter. Criteria: Ambry Variant Classification Scheme 2023. Collection method: clinical testing. Allele origin: germline.